The following is an entry in ClinVar:

NM_020433.5(JPH2):c.1363C>T (p.Arg455Trp)

Gene: JPH2 (junctophilin 2; minus strand). Cytogenetic location: 20q13.12.
Variant type: single nucleotide variant.
Coding change: c.1363C>T on transcript NM_020433.5 (MANE Select); coding-DNA position 1363, C replaced by T.
Protein change: p.Arg455Trp; replaces arginine 455 with tryptophan.
Molecular consequence: missense variant.
Genome position (GRCh38, 1-based): chr20:44,116,312, G>A on the plus strand (C>T on the coding strand, the complement: JPH2 is on the minus strand). VCF-style: chr20-44116312-G-A. GRCh37 (hg19) VCF-style: chr20-42744952-G-A.
Other names: short protein forms R455W.
Identifiers: ClinVar variation 241294 (VCV000241294.13), dbSNP rs767514641, ClinGen allele CA10583874.
Genomic context (GRCh38, chr20:44,116,312, plus strand): 5'-GCTCGTGCAGCTGCGGGCTCTCGCGGGGCGGCTGTGGGAGGCCCGCTGCGCCGGCGCCCC[G>A]GTCGGGGGGCTCCAGCAGGCTCTCCGAGTTCTCCAGGATCTCCTGCAGCAGCCGGCGCTT-3'
Protein context (NP_065166.2, residues 445-465): NSESLLEPPD[Arg455Trp]GAGAAGLPQP

ClinVar aggregate classification (germline): Uncertain significance. Review status: criteria provided, multiple submitters, no conflicts (2 of 4 stars). 2 submissions from 2 submitters: Uncertain significance (2). Last evaluated 2025-06-19.

Conditions:
Cardiovascular phenotype. Identifiers: MedGen CN230736.
Hypertrophic cardiomyopathy. Also called: HYPERTROPHIC MYOCARDIOPATHY. Identifiers: Orphanet 217569, MedGen C0007194, MeSH D002312, MONDO:0005045, HP:0001639.

Allele frequency attached by ClinVar (database versions not stated): gnomAD 0.00003; TOPMed 0.00004.
gnomAD v4.1: 21 of 1,542,886 alleles (0.0014%); highest among the groups gnomAD compares: South Asian, 0.0024%; no homozygotes.

Submissions (2):

Labcorp Genetics (formerly Invitae), Labcorp
Classification: Uncertain significance for Hypertrophic cardiomyopathy. Last evaluated: 2025-06-19. Review status: criteria provided, single submitter. Criteria: Invitae Variant Classification Sherloc (09022015). Collection method: clinical testing. Allele origin: germline.
Comment: This sequence change replaces arginine, which is basic and polar, with tryptophan, which is neutral and slightly polar, at codon 455 of the JPH2 protein (p.Arg455Trp). This variant is present in population databases (no rsID available, gnomAD 0.007%). This variant has not been reported in the literature in individuals affected with JPH2-related conditions. ClinVar contains an entry for this variant (Variation ID: 241294). An algorithm developed to predict the effect of missense changes on protein structure and function (PolyPhen-2) suggests that this variant is likely to be disruptive. In summary, the available evidence is currently insufficient to determine the role of this variant in disease. Therefore, it has been classified as a Variant of Uncertain Significance.

Ambry Genetics
Classification: Uncertain significance for Cardiovascular phenotype. Last evaluated: 2024-11-27. Review status: criteria provided, single submitter. Criteria: Ambry Variant Classification Scheme 2023. Collection method: clinical testing. Allele origin: germline.
Comment: The p.R455W variant (also known as c.1363C>T), located in coding exon 4 of the JPH2 gene, results from a C to T substitution at nucleotide position 1363. The arginine at codon 455 is replaced by tryptophan, an amino acid with dissimilar properties. This amino acid position is well conserved in available vertebrate species. In addition, this alteration is predicted to be tolerated by in silico analysis. Since supporting evidence is limited at this time, the clinical significance of this alteration remains unclear.